The following is an entry in ClinVar:

NM_001110556.2(FLNA):c.7410C>A (p.Ser2470=)

Gene: FLNA (filamin A; minus strand). Cytogenetic location: Xq28.
Variant type: single nucleotide variant.
Coding change: c.7410C>A on transcript NM_001110556.2 (MANE Select); coding-DNA position 7410, C replaced by A.
Protein change: p.Ser2470=; no amino-acid change (serine 2470 retained).
Molecular consequence: synonymous variant.
Genome position (GRCh38, 1-based): chrX:154,349,791, G>T on the plus strand (C>A on the coding strand, the complement: FLNA is on the minus strand). VCF-style: chrX-154349791-G-T. GRCh37 (hg19) VCF-style: chrX-153578159-G-T.
Other names: p.S2462S:TCC>TCA; p.Ser2462=; c.7386C>A, p.Ser2462= (NM_001456.4).
Identifiers: ClinVar variation 213455 (VCV000213455.18), dbSNP rs368746337, ClinGen allele CA320730.

ClinVar aggregate classification (germline): Benign/Likely benign. Review status: criteria provided, multiple submitters, no conflicts (2 of 4 stars). 8 submissions from 8 submitters: Benign (2); Likely benign (4). 2 of the submissions do not count toward it. Last evaluated 2026-01-14.

Conditions:
Oto-palato-digital syndrome, type II (OPD2). Also called: FACIOPALATOOSSEOUS SYNDROME; Otopalatodigital Syndrome, Type II; Otopalatodigital Syndrome Type 2 (FLNA-OPD2); OPD II SYNDROME. Identifiers: Orphanet 669, Orphanet 90652, MedGen C1844696, MONDO:0010571, OMIM 304120.
Heterotopia, periventricular, X-linked dominant (PVNH1). Also called: X-linked periventricular heterotopia; PERIVENTRICULAR NODULAR HETEROTOPIA 1; PERIVENTRICULAR NODULAR HETEROTOPIA 4; HETEROTOPIA, PERIVENTRICULAR, 1. Identifiers: Orphanet 2149, Orphanet 82004, MedGen C1848213, MONDO:0010233, OMIM 300049.
Frontometaphyseal dysplasia (FMD1). Identifiers: Orphanet 1826, MedGen C0265293, MONDO:0015942.
Melnick-Needles syndrome (MNS). Also called: Melnick-Needles Syndrome (FLNA-MNS); MELNICK-NEEDLES OSTEODYSPLASTY; OSTEODYSPLASTY OF MELNICK AND NEEDLES. Identifiers: Orphanet 2484, MedGen C0025237, MONDO:0010650, OMIM 309350.
Familial thoracic aortic aneurysm and aortic dissection (TAAD). Also called: Thoracic aortic aneurysms and dissections. Identifiers: Orphanet 91387, MedGen C4707243, MONDO:0019625.

Allele frequency attached by ClinVar (database versions not stated): ESP Exome Variant Server 0.00010; gnomAD 0.00011; TOPMed 0.00014.
gnomAD v4.1: 140 of 1,210,365 alleles (0.012%); highest among the groups gnomAD compares: Non-Finnish European, 0.014%; no homozygotes.

Submissions (8):

Labcorp Genetics (formerly Invitae), Labcorp
Classification: Likely benign for Oto-palato-digital syndrome, type II; Heterotopia, periventricular, X-linked dominant; Frontometaphyseal dysplasia; Melnick-Needles syndrome. Last evaluated: 2026-01-14. Review status: criteria provided, single submitter. Criteria: Invitae Variant Classification Sherloc (09022015). Collection method: clinical testing. Allele origin: germline.

Blueprint Genetics
Classification: Likely benign. Last evaluated: 2024-11-26. Review status: criteria provided, single submitter. Criteria: ACMG Guidelines, 2015. Collection method: clinical testing. Allele origin: germline.

Mayo Clinic Laboratories, Mayo Clinic
Classification: Likely benign. Last evaluated: 2024-11-26. Review status: criteria provided, single submitter. Criteria: ACMG Guidelines, 2015. Collection method: clinical testing. Allele origin: germline. Observed: 2 variant alleles.
Comment: BS2, BP4, BP7

Women's Health and Genetics/Laboratory Corporation of America, LabCorp
Classification: Benign. Last evaluated: 2023-12-26. Review status: criteria provided, single submitter. Criteria: LabCorp Variant Classification Summary - May 2015. Collection method: clinical testing. Allele origin: germline.

Ambry Genetics
Classification: Likely benign for Familial thoracic aortic aneurysm and aortic dissection. Last evaluated: 2020-02-04. Review status: criteria provided, single submitter. Criteria: Ambry Variant Classification Scheme 2023. Collection method: clinical testing. Allele origin: germline.

GeneDx
Classification: Benign. Last evaluated: 2015-05-07. Review status: criteria provided, single submitter. Criteria: GeneDx Variant Classification (06012015). Collection method: clinical testing. Allele origin: germline. Affected: yes.
Comment: This variant is considered likely benign or benign based on one or more of the following criteria: it is a conservative change, it occurs at a poorly conserved position in the protein, it is predicted to be benign by multiple in silico algorithms, and/or has population frequency not consistent with disease.

Clinical Genetics DNA and cytogenetics Diagnostics Lab, Erasmus MC, Erasmus Medical Center
Classification: Likely benign. Review status: no assertion criteria provided. Collection method: clinical testing. Allele origin: germline. Affected: yes. Study: VKGL Data-share Consensus. Not counted in ClinVar's aggregate classification.

Genome Diagnostics Laboratory, Amsterdam University Medical Center
Classification: Likely benign. Review status: no assertion criteria provided. Collection method: clinical testing. Allele origin: germline. Affected: yes. Study: VKGL Data-share Consensus. Not counted in ClinVar's aggregate classification.